The following is an entry in ClinVar:

NM_030662.4(MAP2K2):c.426G>C (p.Glu142Asp)

Gene: MAP2K2 (mitogen-activated protein kinase kinase 2; minus strand). Cytogenetic location: 19p13.3.
Variant type: single nucleotide variant.
Coding change: c.426G>C on transcript NM_030662.4 (MANE Select); coding-DNA position 426, G replaced by C.
Protein change: p.Glu142Asp; replaces glutamic acid 142 with aspartic acid.
Molecular consequence: missense variant.
Genome position (GRCh38, 1-based): chr19:4,110,533, C>G on the plus strand (G>C on the coding strand, the complement: MAP2K2 is on the minus strand). VCF-style: chr19-4110533-C-G. GRCh37 (hg19) VCF-style: chr19-4110531-C-G.
Other names: c.426G>C, p.Glu142Asp (NM_001440688.1); short protein forms E142D.
Identifiers: ClinVar variation 4802526 (VCV004802526.1).

ClinVar aggregate classification (germline): Uncertain significance (1 of 4 stars; one submission).

Conditions:
RASopathy. Also called: rasopathies; Noonan spectrum disorder. Identifiers: Orphanet 536391, MedGen C5555857, MONDO:0021060.

Submission:

Labcorp Genetics (formerly Invitae), Labcorp
Classification: Uncertain significance for RASopathy. Last evaluated: 2025-02-10. Review status: criteria provided, single submitter. Criteria: Invitae Variant Classification Sherloc (09022015). Collection method: clinical testing. Allele origin: germline.
Comment: This sequence change replaces glutamic acid, which is acidic and polar, with aspartic acid, which is acidic and polar, at codon 142 of the MAP2K2 protein (p.Glu142Asp). This variant is not present in population databases (gnomAD no frequency). This variant has not been reported in the literature in individuals affected with MAP2K2-related conditions. Invitae Evidence Modeling of protein sequence and biophysical properties (such as structural, functional, and spatial information, amino acid conservation, physicochemical variation, residue mobility, and thermodynamic stability) indicates that this missense variant is not expected to disrupt MAP2K2 protein function with a negative predictive value of 95%. In summary, the available evidence is currently insufficient to determine the role of this variant in disease. Therefore, it has been classified as a Variant of Uncertain Significance.